The following is an entry in ClinVar:

ClinVar aggregate classification (germline): Likely pathogenic (1 of 4 stars; one submission).

Allele frequency attached by ClinVar (database versions not stated): TOPMed below 0.00001; gnomAD 0.00001.
gnomAD v4.1: 1 of 1,567,672 alleles (0.000064%); highest among the groups gnomAD compares: African/African-American, 0.0014%; no homozygotes.

Submission:

Labcorp Genetics (formerly Invitae), Labcorp
Classification: Likely pathogenic. Last evaluated: 2020-08-07. Review status: criteria provided, single submitter. Criteria: Invitae Variant Classification Sherloc (09022015). Collection method: clinical testing. Allele origin: germline.
Comment: In summary, the currently available evidence indicates that the variant is pathogenic, but additional data are needed to prove that conclusively. Therefore, this variant has been classified as Likely Pathogenic. Donor and acceptor splice site variants typically lead to a loss of protein function (PMID: 16199547), and loss-of-function variants in EYS are known to be pathogenic (PMID: 18836446, 20333770). Algorithms developed to predict the effect of sequence changes on RNA splicing suggest that this variant may disrupt the consensus splice site, but this prediction has not been confirmed by published transcriptional studies. This variant has not been reported in the literature in individuals with EYS-related conditions. This variant is not present in population databases (ExAC no frequency). This sequence change affects a donor splice site in intron 5 of the EYS gene. It is expected to disrupt RNA splicing and likely results in an absent or disrupted protein product.

Literature cited by the submitters: PubMed 16199547; PubMed 18836446; PubMed 20333770.

NM_001142800.2(EYS):c.862+1G>T

Gene: EYS (EGF-like photoreceptor maintenance factor; minus strand). Cytogenetic location: 6q12.
Variant type: single nucleotide variant.
Coding change: c.862+1G>T on transcript NM_001142800.2 (MANE Select); the canonical splice donor site of the intron after coding-DNA position 862, G replaced by T.
Molecular consequence: splice donor variant.
Genome position (GRCh38, 1-based): chr6:65,490,593, C>A on the plus strand (G>T on the coding strand, the complement: EYS is on the minus strand). VCF-style: chr6-65490593-C-A. GRCh37 (hg19) VCF-style: chr6-66200486-C-A.
Other names: c.862+1G>T (NM_001292009.2, NM_001142801.2, NM_198283.2).
Identifiers: ClinVar variation 1068239 (VCV001068239.7), dbSNP rs926930860, ClinGen allele CA140434458.
Genomic context (GRCh38, chr6:65,490,593, plus strand): 5'-AAATACATAGATAAAATTAAAGTTACTTGTGTATATGGTTGTATACATATGCATTTTTTA[C>A]CTGAAAATTGCTCATCACATTCACAAATGAAACTATTTGAAGTAATATTGCTGCAGTTTC-3'